The following is an entry in ClinVar:

ClinVar aggregate classification (germline): Uncertain significance (1 of 4 stars; one submission).

Submission:

GeneDx
Classification: Uncertain significance. Last evaluated: 2025-08-06. Review status: criteria provided, single submitter. Criteria: GeneDx Variant Classification Process June 2021. Collection method: clinical testing. Allele origin: germline. Affected: yes.
Comment: Not observed at significant frequency in large population cohorts (gnomAD); In silico analysis supports that this missense variant has a deleterious effect on protein structure/function; Has not been previously published as pathogenic or benign to our knowledge

NM_000540.3(RYR1):c.10091G>T (p.Arg3364Leu)

Gene: RYR1 (ryanodine receptor 1; plus strand). Cytogenetic location: 19q13.2.
Variant type: single nucleotide variant.
Coding change: c.10091G>T on transcript NM_000540.3 (MANE Select); coding-DNA position 10091, G replaced by T.
Protein change: p.Arg3364Leu; replaces arginine 3364 with leucine.
Molecular consequence: missense variant.
Genome position (GRCh38, 1-based): chr19:38,519,286, G>T. VCF-style: chr19-38519286-G-T. GRCh37 (hg19) VCF-style: chr19-39009926-G-T.
Other names: c.10091G>T, p.Arg3364Leu (NM_001042723.2); short protein forms R3364L.
Identifiers: ClinVar variation 4755809 (VCV004755809.1).
Genomic context (GRCh38, chr19:38,519,286, plus strand): 5'-CCATTGTGAGCCGTGCACGGCCGGAGCTCCTGCAGTCCCACTTCATCCCAACTATCGGGC[G>T]GCTGCGCAAGAGGGCAGGGAAGGTGGTGTCCGAGGAGGAGCAGCTGCGCCTGGAGGCCAA-3'
Protein context (NP_000531.2, residues 3354-3374): LQSHFIPTIG[Arg3364Leu]LRKRAGKVVS